The following is an entry in ClinVar:

NM_138704.4(NSMCE3):c.124G>T (p.Gly42Cys)

Genes: ENTREP2 (endosomal transmembrane epsin interactor 2; minus strand), NSMCE3 (NSE3 homolog, SMC5-SMC6 complex component; minus strand). Cytogenetic location: 15q13.1.
Variant type: single nucleotide variant.
Coding change: c.124G>T on transcript NM_138704.4 (MANE Select); coding-DNA position 124, G replaced by T.
Protein change: p.Gly42Cys; replaces glycine 42 with cysteine.
Molecular consequence: missense variant. On other transcripts: intron variant (5).
Genome position (GRCh38, 1-based): chr15:29,269,582, C>A on the plus strand (G>T on the coding strand, the complement: NSMCE3 is on the minus strand). VCF-style: chr15-29269582-C-A. GRCh37 (hg19) VCF-style: chr15-29561786-C-A.
Other names: c.-12-17104G>T (NM_001387217.1, NM_001387215.1, NM_001387216.1); c.277-17104G>T (NM_001387214.1, NM_015307.2); short protein forms G42C.
Identifiers: ClinVar variation 2193235 (VCV002193235.1), dbSNP rs994288624, ClinGen allele CA268359581.

ClinVar aggregate classification (germline): Uncertain significance (1 of 4 stars; one submission).

Allele frequency attached by ClinVar (database versions not stated): gnomAD exomes below 0.00001; gnomAD 0.00001; TOPMed 0.00002.
gnomAD v4.1: 2 of 1,542,876 alleles (0.00013%); highest among the groups gnomAD compares: Non-Finnish European, 0.00017%; no homozygotes.

Submission:

Labcorp Genetics (formerly Invitae), Labcorp
Classification: Uncertain significance. Last evaluated: 2022-09-07. Review status: criteria provided, single submitter. Criteria: Invitae Variant Classification Sherloc (09022015). Collection method: clinical testing. Allele origin: germline.
Comment: This sequence change replaces glycine, which is neutral and non-polar, with cysteine, which is neutral and slightly polar, at codon 42 of the NSMCE3 protein (p.Gly42Cys). This variant is not present in population databases (gnomAD no frequency). This variant has not been reported in the literature in individuals affected with NSMCE3-related conditions. Algorithms developed to predict the effect of missense changes on protein structure and function output the following: SIFT: "Tolerated"; PolyPhen-2: "Benign"; Align-GVGD: "Class C0". The cysteine amino acid residue is found in multiple mammalian species, which suggests that this missense change does not adversely affect protein function. In summary, the available evidence is currently insufficient to determine the role of this variant in disease. Therefore, it has been classified as a Variant of Uncertain Significance.